The following is an entry in ClinVar:

NM_016579.4(CD320):c.707-15A>T

Gene: CD320 (CD320 molecule; minus strand). Cytogenetic location: 19p13.2.
Variant type: single nucleotide variant.
Coding change: c.707-15A>T on transcript NM_016579.4 (MANE Select); 15 bases into the intron before coding-DNA position 707, A replaced by T.
Molecular consequence: intron variant.
Genome position (GRCh38, 1-based): chr19:8,302,620, T>A on the plus strand (A>T on the coding strand, the complement: CD320 is on the minus strand). VCF-style: chr19-8302620-T-A. GRCh37 (hg19) VCF-style: chr19-8367504-T-A.
Other names: p.?; c.581-15A>T (NM_001165895.2).
Identifiers: ClinVar variation 136685 (VCV000136685.12), dbSNP rs250511, ClinGen allele CA289991.

ClinVar aggregate classification (germline): Benign. Review status: criteria provided, multiple submitters, no conflicts (2 of 4 stars). 4 submissions from 4 submitters: Benign (4). Last evaluated 2026-02-03.

Conditions:
Methylmalonic acidemia due to transcobalamin receptor defect (MATR). Also called: METHYLMALONIC ACIDURIA, TRANSIENT, DUE TO TRANSCOBALAMIN RECEPTOR DEFECT; METHYLMALONIC ACIDEMIA, TCblR TYPE. Identifiers: Orphanet 280183, MedGen C4749905, MONDO:0013341, OMIM 613646.

Allele frequency attached by ClinVar (database versions not stated): 1000 Genomes Project 30x 0.08260; 1000 Genomes Project 0.08347; TOPMed 0.08667; ExAC 0.08765; gnomAD 0.08768 and 0.08819; ESP Exome Variant Server 0.08773; gnomAD exomes 0.08864.

Submissions (4):

Labcorp Genetics (formerly Invitae), Labcorp
Classification: Benign for Methylmalonic acidemia due to transcobalamin receptor defect. Last evaluated: 2026-02-03. Review status: criteria provided, single submitter. Criteria: Invitae Variant Classification Sherloc (09022015). Collection method: clinical testing. Allele origin: germline.

Mayo Clinic Laboratories, Mayo Clinic
Classification: Benign. Last evaluated: 2021-10-28. Review status: criteria provided, single submitter. Criteria: ACMG Guidelines, 2015. Collection method: clinical testing. Allele origin: germline. Observed: 24 variant alleles.

GeneDx
Classification: Benign. Last evaluated: 2013-09-09. Review status: criteria provided, single submitter. Criteria: GeneDx Variant Classification (06012015). Collection method: clinical testing. Allele origin: germline. Affected: yes.
Comment: This variant is considered likely benign or benign based on one or more of the following criteria: it is a conservative change, it occurs at a poorly conserved position in the protein, it is predicted to be benign by multiple in silico algorithms, and/or has population frequency not consistent with disease.

Breakthrough Genomics
Classification: Benign. Review status: criteria provided, single submitter. Criteria: ACMG Guidelines, 2015. Collection method: not provided. Allele origin: germline. Inheritance: Autosomal recessive inheritance. Affected: yes.